The following is an entry in ClinVar:

ClinVar aggregate classification (germline): Uncertain significance (1 of 4 stars; one submission).

Conditions:
Neurofibromatosis, type 2 (SWNV). Also called: BILATERAL ACOUSTIC NEUROFIBROMATOSIS; NF2-Related Schwannomatosis; SCHWANNOMATOSIS, VESTIBULAR. Identifiers: Orphanet 637, MedGen C0027832, MONDO:0007039, OMIM 101000. Disease mechanism: loss of function.

Submission:

Labcorp Genetics (formerly Invitae), Labcorp
Classification: Uncertain significance for Neurofibromatosis, type 2. Last evaluated: 2025-08-17. Review status: criteria provided, single submitter. Criteria: Invitae Variant Classification Sherloc (09022015). Collection method: clinical testing. Allele origin: germline.
Comment: This sequence change replaces lysine, which is basic and polar, with arginine, which is basic and polar, at codon 149 of the NF2 protein (p.Lys149Arg). This variant is not present in population databases (gnomAD no frequency). This variant has not been reported in the literature in individuals affected with NF2-related conditions. An algorithm developed to predict the effect of missense changes on protein structure and function (PolyPhen-2) suggests that this variant is likely to be disruptive. In summary, the available evidence is currently insufficient to determine the role of this variant in disease. Therefore, it has been classified as a Variant of Uncertain Significance.

NM_000268.4(NF2):c.446A>G (p.Lys149Arg)

Gene: NF2 (NF2, moesin-ezrin-radixin like (MERLIN) tumor suppressor; plus strand). Cytogenetic location: 22q12.2.
Variant type: single nucleotide variant.
Coding change: c.446A>G on transcript NM_000268.4 (MANE Select); coding-DNA position 446, A replaced by G.
Protein change: p.Lys149Arg; replaces lysine 149 with arginine.
Molecular consequence: missense variant. On other transcripts: 5 prime UTR variant (1), non-coding transcript variant (1).
Genome position (GRCh38, 1-based): chr22:29,642,284, A>G. VCF-style: chr22-29642284-A-G. GRCh37 (hg19) VCF-style: chr22-30038273-A-G.
Other names: c.332A>G, p.Lys111Arg (NM_001407053.1, NM_001407056.1); c.323A>G, p.Lys108Arg (NM_001407054.1, NM_001407058.1, NM_001407062.1 and 1 more transcripts); c.320A>G, p.Lys107Arg (NM_001407055.1, NM_181828.3); c.446A>G, p.Lys149Arg (NM_001407057.1, NM_001407059.1, NM_001407060.1 and 5 more transcripts); c.197A>G, p.Lys66Arg (NM_001407063.1, NM_001407064.1, NM_181830.3 and 1 more transcripts); c.-195A>G (NM_001407065.1); c.215A>G, p.Lys72Arg (NM_001407067.1); short protein forms K107R, K72R, K149R, K108R, K111R, K66R.
Identifiers: ClinVar variation 4765118 (VCV004765118.1).